The following is an entry in ClinVar:

ClinVar aggregate classification (germline): Uncertain significance (1 of 4 stars; one submission).

Conditions:
Nephronophthisis 15 (NPHP15). Identifiers: Orphanet 3156, MedGen C3541853, MONDO:0013917, OMIM 614845.

Allele frequency attached by ClinVar (database versions not stated): ExAC 0.00001; gnomAD exomes below 0.00001; ESP Exome Variant Server 0.00008.
gnomAD v4.1: 1 of 1,611,212 alleles (0.000062%); highest among the groups gnomAD compares: Non-Finnish European, 0.000085%; no homozygotes.

Submission:

Labcorp Genetics (formerly Invitae), Labcorp
Classification: Uncertain significance for Nephronophthisis 15. Last evaluated: 2022-01-06. Review status: criteria provided, single submitter. Criteria: Invitae Variant Classification Sherloc (09022015). Collection method: clinical testing. Allele origin: germline.
Comment: This sequence change replaces proline, which is neutral and non-polar, with leucine, which is neutral and non-polar, at codon 1310 of the CEP164 protein (p.Pro1310Leu). This variant is present in population databases (rs145100782, gnomAD 0.0009%). This variant has not been reported in the literature in individuals affected with CEP164-related conditions. ClinVar contains an entry for this variant (Variation ID: 1011821). Algorithms developed to predict the effect of missense changes on protein structure and function output the following: SIFT: "Tolerated"; PolyPhen-2: "Benign"; Align-GVGD: "Class C0". The leucine amino acid residue is found in multiple mammalian species, which suggests that this missense change does not adversely affect protein function. In summary, the available evidence is currently insufficient to determine the role of this variant in disease. Therefore, it has been classified as a Variant of Uncertain Significance.

NM_014956.5(CEP164):c.3929C>T (p.Pro1310Leu)

Gene: CEP164 (centrosomal protein 164; plus strand). Cytogenetic location: 11q23.3.
Variant type: single nucleotide variant.
Coding change: c.3929C>T on transcript NM_014956.5 (MANE Select); coding-DNA position 3929, C replaced by T.
Protein change: p.Pro1310Leu; replaces proline 1310 with leucine.
Molecular consequence: missense variant.
Genome position (GRCh38, 1-based): chr11:117,409,798, C>T. VCF-style: chr11-117409798-C-T. GRCh37 (hg19) VCF-style: chr11-117280514-C-T.
Other names: c.3914C>T, p.Pro1305Leu (NM_001271933.2); short protein forms P1305L, P1310L.
Identifiers: ClinVar variation 1011821 (VCV001011821.6), dbSNP rs145100782, ClinGen allele CA6295621.